The following is an entry in ClinVar:

ClinVar aggregate classification (germline): Conflicting classifications of pathogenicity. Review status: criteria provided, conflicting classifications (1 of 4 stars). 2 submissions from 2 submitters: Uncertain significance (1); Likely benign (1). Last evaluated 2025-03-07.

Conditions:
Inborn genetic diseases. Identifiers: MedGen C0950123, MeSH D030342.

Allele frequency attached by ClinVar (database versions not stated): gnomAD 0.00001; TOPMed 0.00006; gnomAD exomes 0.00008 and 0.00018; ExAC 0.00015.
gnomAD v4.1: 51 of 1,613,068 alleles (0.0032%); highest among the groups gnomAD compares: Admixed American, 0.085%; no homozygotes.

Submissions (2):

Ambry Genetics
Classification: Likely benign for Inborn genetic diseases. Last evaluated: 2025-03-07. Review status: criteria provided, single submitter. Criteria: Ambry Variant Classification Scheme 2023. Collection method: clinical testing. Allele origin: germline.

Labcorp Genetics (formerly Invitae), Labcorp
Classification: Uncertain significance. Last evaluated: 2024-09-16. Review status: criteria provided, single submitter. Criteria: Invitae Variant Classification Sherloc (09022015). Collection method: clinical testing. Allele origin: germline.
Comment: This sequence change replaces asparagine, which is neutral and polar, with serine, which is neutral and polar, at codon 673 of the CEP135 protein (p.Asn673Ser). This variant is present in population databases (rs767782156, gnomAD 0.1%). This variant has not been reported in the literature in individuals affected with CEP135-related conditions. ClinVar contains an entry for this variant (Variation ID: 1363204). An algorithm developed to predict the effect of missense changes on protein structure and function outputs the following: PolyPhen-2: "Benign". The serine amino acid residue is found in multiple mammalian species, which suggests that this missense change does not adversely affect protein function. In summary, the available evidence is currently insufficient to determine the role of this variant in disease. Therefore, it has been classified as a Variant of Uncertain Significance.

NM_025009.5(CEP135):c.2018A>G (p.Asn673Ser)

Gene: CEP135 (centrosomal protein 135; plus strand). Cytogenetic location: 4q12.
Variant type: single nucleotide variant.
Coding change: c.2018A>G on transcript NM_025009.5 (MANE Select); coding-DNA position 2018, A replaced by G.
Protein change: p.Asn673Ser; replaces asparagine 673 with serine.
Molecular consequence: missense variant.
Genome position (GRCh38, 1-based): chr4:55,999,310, A>G. VCF-style: chr4-55999310-A-G. GRCh37 (hg19) VCF-style: chr4-56865476-A-G.
Other names: c.2018A>G (NM_025009.3); short protein forms N673S.
Identifiers: ClinVar variation 1363204 (VCV001363204.7), dbSNP rs767782156, ClinGen allele CA2928039.